The following is an entry in ClinVar:

ClinVar aggregate classification (germline): Uncertain significance. Review status: criteria provided, multiple submitters, no conflicts (2 of 4 stars). 2 submissions from 2 submitters: Uncertain significance (2). Last evaluated 2025-02-16.

Allele frequency attached by ClinVar (database versions not stated): gnomAD exomes below 0.00001; gnomAD 0.00001.
gnomAD v4.1: 2 of 1,612,688 alleles (0.00012%); highest among the groups gnomAD compares: Admixed American, 0.0017%; no homozygotes.

Submissions (2):

Labcorp Genetics (formerly Invitae), Labcorp
Classification: Uncertain significance. Last evaluated: 2025-02-16. Review status: criteria provided, single submitter. Criteria: Invitae Variant Classification Sherloc (09022015). Collection method: clinical testing. Allele origin: germline.
Comment: This sequence change replaces proline, which is neutral and non-polar, with leucine, which is neutral and non-polar, at codon 411 of the RGS9 protein (p.Pro411Leu). This variant is present in population databases (no rsID available, gnomAD 0.0009%). This variant has not been reported in the literature in individuals affected with RGS9-related conditions. ClinVar contains an entry for this variant (Variation ID: 1438838). Invitae Evidence Modeling of protein sequence and biophysical properties (such as structural, functional, and spatial information, amino acid conservation, physicochemical variation, residue mobility, and thermodynamic stability) indicates that this missense variant is not expected to disrupt RGS9 protein function with a negative predictive value of 80%. In summary, the available evidence is currently insufficient to determine the role of this variant in disease. Therefore, it has been classified as a Variant of Uncertain Significance.

Blueprint Genetics
Classification: Uncertain significance. Last evaluated: 2023-02-09. Review status: criteria provided, single submitter. Criteria: ACMG Guidelines, 2015. Collection method: clinical testing. Allele origin: germline.

NM_003835.4(RGS9):c.1232C>T (p.Pro411Leu)

Gene: RGS9 (regulator of G protein signaling 9; plus strand). Cytogenetic location: 17q24.1.
Variant type: single nucleotide variant.
Coding change: c.1232C>T on transcript NM_003835.4 (MANE Select); coding-DNA position 1232, C replaced by T.
Protein change: p.Pro411Leu; replaces proline 411 with leucine.
Molecular consequence: missense variant.
Genome position (GRCh38, 1-based): chr17:65,207,950, C>T. VCF-style: chr17-65207950-C-T. GRCh37 (hg19) VCF-style: chr17-63204068-C-T.
Other names: c.1223C>T, p.Pro408Leu (NM_001081955.3, NM_001165933.2); short protein forms P408L, P411L.
Identifiers: ClinVar variation 1438838 (VCV001438838.7), dbSNP rs1370442160, ClinGen allele CA400671763.